The following is an entry in ClinVar:

NM_003384.3(VRK1):c.1113_1117del (p.Glu371fs)

Gene: VRK1 (VRK serine/threonine kinase 1; plus strand). Cytogenetic location: 14q32.2.
Variant type: Deletion.
Coding change: c.1113_1117del on transcript NM_003384.3 (MANE Select); coding-DNA positions 1113 to 1117, 5 bases deleted (AGATA; older notation c.1113_1117delAGATA).
Protein change: p.Glu371fs; shifts the reading frame from glutamic acid 371.
Molecular consequence: frameshift variant.
Genome position (GRCh38, 1-based): chr14:96,876,074-96,876,078, AGATA deleted; deleting any 5 consecutive bases within chr14:96,876,073-96,876,078 gives the same sequence; the c. name uses the placement nearest the transcript's 3' end. VCF-style (leftmost placement, unchanged base first): chr14-96876072-GAAGAT-G. GRCh37 (hg19) VCF-style: chr14-97342409-GAAGAT-G.
Other names: short protein forms E371fs.
Identifiers: ClinVar variation 1474251 (VCV001474251.9), dbSNP rs2139845924, ClinGen allele CA2573150448.
Genomic context (GRCh38, chr14:96,876,072, plus strand): 5'-TTTAATTTTATATGTAAGAAGCGAAAGAAAGAAATTGAAGAAAGCAAGGAACCTGGTGTT[GAAGAT>G]ACGGAATGGTCAAACACACAGACAGAGGAGGCCATACAGACCCGTAAGTTGAACAGTTTT-3'

ClinVar aggregate classification (germline): Likely pathogenic (1 of 4 stars; one submission).

Conditions:
Pontocerebellar hypoplasia type 1A (PCH1A). Also called: PONTOCEREBELLAR HYPOPLASIA WITH ANTERIOR HORN CELL DISEASE; PONTOCEREBELLAR HYPOPLASIA WITH INFANTILE SPINAL MUSCULAR ATROPHY. Identifiers: Orphanet 2254, Orphanet 88616, MedGen C1843504, MONDO:0011866, OMIM 607596.

Submission:

Labcorp Genetics (formerly Invitae), Labcorp
Classification: Likely pathogenic for Pontocerebellar hypoplasia type 1A. Last evaluated: 2020-12-24. Review status: criteria provided, single submitter. Criteria: Invitae Variant Classification Sherloc (09022015). Collection method: clinical testing. Allele origin: germline.
Comment: In summary, the currently available evidence indicates that the variant is pathogenic, but additional data are needed to prove that conclusively. Therefore, this variant has been classified as Likely Pathogenic. This variant disrupts the p.Arg387 amino acid residue in VRK1. Other variant(s) that disrupt this residue have been determined to be pathogenic (PMID: 31837156, Invitae). This suggests that this residue is clinically significant, and that variants that disrupt this residue are likely to be disease-causing. This variant has not been reported in the literature in individuals with VRK1-related conditions. This variant is not present in population databases (ExAC no frequency). This sequence change results in a frameshift in the VRK1 gene (p.Glu371Aspfs*30). While this is not anticipated to result in nonsense mediated decay, it is expected to disrupt the last 26 amino acid(s) of the VRK1 protein and extend the protein by 3 additional amino acid residues.

Literature cited by the submitters: PubMed 31837156.